The following is an entry in ClinVar:

ClinVar aggregate classification (germline): Uncertain significance (1 of 4 stars; one submission).

Conditions:
Developmental and epileptic encephalopathy, 36 (DEE36). Also called: ALG13-CDG; Epileptic encephalopathy, early infantile, 36; Congenital disorder of glycosylation, type Is. Identifiers: Orphanet 324422, MedGen C4317295, MONDO:0010472, OMIM 300884.

Submission:

Labcorp Genetics (formerly Invitae), Labcorp
Classification: Uncertain significance for Developmental and epileptic encephalopathy, 36. Last evaluated: 2024-10-23. Review status: criteria provided, single submitter. Criteria: Invitae Variant Classification Sherloc (09022015). Collection method: clinical testing. Allele origin: germline.
Comment: This sequence change replaces asparagine, which is neutral and polar, with tyrosine, which is neutral and polar, at codon 857 of the ALG13 protein (p.Asn857Tyr). This variant is not present in population databases (gnomAD no frequency). This variant has not been reported in the literature in individuals affected with ALG13-related conditions. Invitae Evidence Modeling of protein sequence and biophysical properties (such as structural, functional, and spatial information, amino acid conservation, physicochemical variation, residue mobility, and thermodynamic stability) indicates that this missense variant is not expected to disrupt ALG13 protein function with a negative predictive value of 95%. In summary, the available evidence is currently insufficient to determine the role of this variant in disease. Therefore, it has been classified as a Variant of Uncertain Significance.

NM_001099922.3(ALG13):c.2569A>T (p.Asn857Tyr)

Gene: ALG13 (ALG13 UDP-N-acetylglucosaminyltransferase subunit; plus strand). Cytogenetic location: Xq23.
Variant type: single nucleotide variant.
Coding change: c.2569A>T on transcript NM_001099922.3 (MANE Select); coding-DNA position 2569, A replaced by T.
Protein change: p.Asn857Tyr; replaces asparagine 857 with tyrosine.
Molecular consequence: missense variant. On other transcripts: non-coding transcript variant (1).
Genome position (GRCh38, 1-based): chrX:111,736,753, A>T. VCF-style: chrX-111736753-A-T. GRCh37 (hg19) VCF-style: chrX-110979981-A-T.
Other names: c.2257A>T, p.Asn753Tyr (NM_001257230.2, NM_001257234.2, NM_001257237.2); c.2335A>T, p.Asn779Tyr (NM_001257231.2); c.2569A>T, p.Asn857Tyr (NM_001324292.2); c.2083A>T, p.Asn695Tyr (NM_001324293.1); short protein forms N695Y, N857Y, N753Y, N779Y.
Identifiers: ClinVar variation 3638466 (VCV003638466.2).